The following is an entry in ClinVar:

NM_001035.3(RYR2):c.10482T>A (p.Asn3494Lys)

Gene: RYR2 (ryanodine receptor 2; plus strand). Cytogenetic location: 1q43.
Variant type: single nucleotide variant.
Coding change: c.10482T>A on transcript NM_001035.3 (MANE Select); coding-DNA position 10482, T replaced by A.
Protein change: p.Asn3494Lys; replaces asparagine 3494 with lysine.
Molecular consequence: missense variant.
Genome position (GRCh38, 1-based): chr1:237,717,356, T>A. VCF-style: chr1-237717356-T-A. GRCh37 (hg19) VCF-style: chr1-237880656-T-A.
Other names: short protein forms N3494K.
Identifiers: ClinVar variation 3367716 (VCV003367716.1).

ClinVar aggregate classification (germline): Uncertain significance (1 of 4 stars; one submission).

Submission:

GeneDx
Classification: Uncertain significance. Last evaluated: 2024-01-08. Review status: criteria provided, single submitter. Criteria: GeneDx Variant Classification Process June 2021. Collection method: clinical testing. Allele origin: germline. Affected: yes.
Comment: Not observed at significant frequency in large population cohorts (gnomAD); In silico analysis supports that this missense variant does not alter protein structure/function; Not located in one of the three hot-spot regions of the RYR2 gene, where the majority of pathogenic missense variants occur (PMID: 19926015); Has not been previously published as pathogenic or benign to our knowledge; This variant is associated with the following publications: (PMID: 19926015)